The following is an entry in ClinVar:

ClinVar aggregate classification (germline): Uncertain significance (1 of 4 stars; one submission).

Conditions:
Marfan syndrome (MFS). Also called: MARFAN SYNDROME, TYPE I; Marfan syndrome type 1; Marfan's syndrome; Marfan syndrome, classic; FBN1-Related Marfan Syndrome. Identifiers: Orphanet 284963, Orphanet 558, MedGen C0024796, MONDO:0007947, OMIM 154700.

Submission:

All of Us Research Program, National Institutes of Health
Classification: Uncertain significance for Marfan syndrome. Last evaluated: 2023-05-16. Review status: criteria provided, single submitter. Criteria: ACMG Guidelines, 2015. Collection method: clinical testing. Allele origin: germline. Inheritance: Autosomal dominant inheritance. Observed: 1 variant allele, 1 heterozygote.
Comment: This missense variant replaces serine with leucine at codon 2227 of the FBN1 protein. Computational prediction suggests that this variant may have deleterious impact on protein structure and function (internally defined REVEL score threshold >= 0.7, PMID: 27666373). To our knowledge, functional studies have not been reported for this variant. This variant has not been reported in individuals affected with FBN1-related disorders in the literature. This variant has not been identified in the general population by the Genome Aggregation Database (gnomAD). The available evidence is insufficient to determine the role of this variant in disease conclusively. Therefore, this variant is classified as a Variant of Uncertain Significance.

This study involves interpretation of variants in research participants for the purpose of population health screening. Participant phenotype was not available at the time of variant classification. Additional details can be found in publication PMID: 35346344, PMCID: PMC8962531

NM_000138.5(FBN1):c.6680C>T (p.Ser2227Leu)

Gene: FBN1 (fibrillin 1; minus strand). Cytogenetic location: 15q21.1.
Variant type: single nucleotide variant.
Coding change: c.6680C>T on transcript NM_000138.5 (MANE Select); coding-DNA position 6680, C replaced by T.
Protein change: p.Ser2227Leu; replaces serine 2227 with leucine.
Molecular consequence: missense variant.
Genome position (GRCh38, 1-based): chr15:48,432,925, G>A on the plus strand (C>T on the coding strand, the complement: FBN1 is on the minus strand). VCF-style: chr15-48432925-G-A. GRCh37 (hg19) VCF-style: chr15-48725122-G-A.
Other names: c.6680C>T, p.Ser2227Leu (NM_001406716.1); short protein forms S2227L.
Identifiers: ClinVar variation 3070990 (VCV003070990.1), dbSNP rs2505425000, ClinGen allele CA392333466.